The following is an entry in ClinVar:

ClinVar aggregate classification (germline): Uncertain significance. Review status: criteria provided, multiple submitters, no conflicts (2 of 4 stars). 2 submissions from 2 submitters: Uncertain significance (2). Last evaluated 2025-11-09.

Conditions:
Brachyolmia-amelogenesis imperfecta syndrome. Also called: PLATYSPONDYLY WITH AMELOGENESIS IMPERFECTA; Tooth agenesis, selective, 6; Dental anomalies and short stature. Identifiers: Orphanet 2899, MedGen C1832594, MONDO:0011018, OMIM 601216. Disease mechanism: loss of function.
Inborn genetic diseases. Identifiers: MedGen C0950123, MeSH D030342.

Allele frequency attached by ClinVar (database versions not stated): gnomAD exomes below 0.00001.
gnomAD v4.1: 1 of 1,575,660 alleles (0.000063%); highest among the groups gnomAD compares: Non-Finnish European, 0.000086%; no homozygotes.

Submissions (2):

Labcorp Genetics (formerly Invitae), Labcorp
Classification: Uncertain significance for Brachyolmia-amelogenesis imperfecta syndrome. Last evaluated: 2025-11-09. Review status: criteria provided, single submitter. Criteria: Invitae Variant Classification Sherloc (09022015). Collection method: clinical testing. Allele origin: germline.
Comment: This sequence change replaces proline, which is neutral and non-polar, with serine, which is neutral and polar, at codon 271 of the LTBP3 protein (p.Pro271Ser). This variant is not present in population databases (gnomAD no frequency). This variant has not been reported in the literature in individuals affected with LTBP3-related conditions. ClinVar contains an entry for this variant (Variation ID: 1494550). An algorithm developed to predict the effect of missense changes on protein structure and function (PolyPhen-2) suggests that this variant is likely to be tolerated. In summary, the available evidence is currently insufficient to determine the role of this variant in disease. Therefore, it has been classified as a Variant of Uncertain Significance.

Ambry Genetics
Classification: Uncertain significance for Inborn genetic diseases. Last evaluated: 2025-01-29. Review status: criteria provided, single submitter. Criteria: Ambry Variant Classification Scheme 2023. Collection method: clinical testing. Allele origin: germline.

NM_001130144.3(LTBP3):c.811C>T (p.Pro271Ser)

Gene: LTBP3 (latent transforming growth factor beta binding protein 3; minus strand). Cytogenetic location: 11q13.1.
Variant type: single nucleotide variant.
Coding change: c.811C>T on transcript NM_001130144.3 (MANE Select); coding-DNA position 811, C replaced by T.
Protein change: p.Pro271Ser; replaces proline 271 with serine.
Molecular consequence: missense variant.
Genome position (GRCh38, 1-based): chr11:65,553,754, G>A on the plus strand (C>T on the coding strand, the complement: LTBP3 is on the minus strand). VCF-style: chr11-65553754-G-A. GRCh37 (hg19) VCF-style: chr11-65321225-G-A.
Other names: c.811C>T (NM_001130144.2); c.460C>T, p.Pro154Ser (NM_001164266.1); c.811C>T, p.Pro271Ser (NM_021070.4); short protein forms P271S, P154S.
Identifiers: ClinVar variation 1494550 (VCV001494550.7), dbSNP rs2135158119, ClinGen allele CA381275686.